The following is an entry in ClinVar:

NM_024642.5(GALNT12):c.108G>T (p.Val36=)

Genes: GALNT12 (polypeptide N-acetylgalactosaminyltransferase 12; plus strand), LOC130002222 (ATAC-STARR-seq lymphoblastoid silent region 20123; plus strand). Cytogenetic location: 9q22.33.
Variant type: single nucleotide variant.
Coding change: c.108G>T on transcript NM_024642.5 (MANE Select); coding-DNA position 108, G replaced by T.
Protein change: p.Val36=; no amino-acid change (valine 36 retained).
Molecular consequence: synonymous variant.
Genome position (GRCh38, 1-based): chr9:98,807,806, G>T. VCF-style: chr9-98807806-G-T. GRCh37 (hg19) VCF-style: chr9-101570088-G-T.
Identifiers: ClinVar variation 822140 (VCV000822140.14), dbSNP rs751321724, ClinGen allele CA5153897.
Genomic context (GRCh38, chr9:98,807,806, plus strand): 5'-CGGCCGGGAGGCGCTGTTGGTGCTCCTGGCGCTACTGGCGTTGGCCGGGCTGGGCTCGGT[G>T]CTGCGGGCGCAGCGTGGGGCCGGGGCCGGGGCTGCCGAGCCGGGACCCCCGCGCACCCCG-3'
Protein context (NP_078918.3, residues 26-46): ALLALAGLGS[Val36=]LRAQRGAGAG

ClinVar aggregate classification (germline): Benign/Likely benign. Review status: criteria provided, multiple submitters, no conflicts (2 of 4 stars). 3 submissions from 3 submitters: Benign (1); Likely benign (2). Last evaluated 2026-04-22.

Conditions:
Colorectal cancer, susceptibility to, 1. Also called: COLORECTAL ADENOMA AND CANCER, SUSCEPTIBILITY TO; COLORECTAL CANCER, SUSCEPTIBILITY TO, ON CHROMOSOME 9. Identifiers: MedGen C1837315, MONDO:0012132, OMIM 608812.

Allele frequency attached by ClinVar (database versions not stated): ExAC below 0.00001; gnomAD 0.00005 and 0.00001; 1000 Genomes Project 30x 0.00016; gnomAD exomes 0.00001; TOPMed below 0.00001.
gnomAD v4.1: 20 of 1,075,252 alleles (0.0019%); highest among the groups gnomAD compares: South Asian, 0.081%; no homozygotes.

Submissions (3):

Myriad Genetics, Inc.
Classification: Benign for Colorectal cancer, susceptibility to, 1. Last evaluated: 2026-04-22. Review status: criteria provided, single submitter. Criteria: Myriad Autosomal Dominant, Autosomal Recessive and X-Linked Classification Criteria (2023). Collection method: clinical testing. Allele origin: unknown.
Comment: This variant is considered benign. This variant is a silent/synonymous amino acid change and it is not expected to impact splicing.

Labcorp Genetics (formerly Invitae), Labcorp
Classification: Likely benign. Last evaluated: 2023-01-20. Review status: criteria provided, single submitter. Criteria: Invitae Variant Classification Sherloc (09022015). Collection method: clinical testing. Allele origin: germline.

Ambry Genetics
Classification: Likely benign. Last evaluated: 2019-07-17. Review status: criteria provided, single submitter. Criteria: Ambry Variant Classification Scheme 2023. Collection method: clinical testing. Allele origin: germline.